The following is an entry in ClinVar:

NM_000554.6(CRX):c.29A>G (p.His10Arg)

Gene: CRX (cone-rod homeobox; plus strand). Cytogenetic location: 19q13.33.
Variant type: single nucleotide variant.
Coding change: c.29A>G on transcript NM_000554.6 (MANE Select); coding-DNA position 29, A replaced by G.
Protein change: p.His10Arg; replaces histidine 10 with arginine.
Molecular consequence: missense variant.
Genome position (GRCh38, 1-based): chr19:47,834,472, A>G. VCF-style: chr19-47834472-A-G. GRCh37 (hg19) VCF-style: chr19-48337729-A-G.
Other names: short protein forms H10R.
Identifiers: ClinVar variation 981463 (VCV000981463.3), dbSNP rs754630141, ClinGen allele CA9544369.

ClinVar aggregate classification (germline): Uncertain significance (1 of 4 stars; one submission).

Conditions:
Usher syndrome. Also called: Usher's syndrome; Usher Syndromes. Identifiers: Orphanet 886, MedGen CN469326, MeSH D052245, MONDO:0019501. Disease mechanism: loss of function.

Allele frequency attached by ClinVar (database versions not stated): ExAC 0.00001.
gnomAD v4.1: 5 of 1,614,124 alleles (0.00031%); highest among the groups gnomAD compares: Non-Finnish European, 0.00042%; no homozygotes.

Submission:

Institute of Human Genetics, University of Goettingen
Classification: Uncertain significance for Usher syndrome. Last evaluated: 2020-06-05. Review status: criteria provided, single submitter. Criteria: ACMG Guidelines, 2015. Collection method: clinical testing. Allele origin: unknown. Inheritance: Autosomal dominant inheritance. Affected: yes. Observed: 1 heterozygote.
Comment: The CRX variant c.29A>G occurs at a frequency of 0.0008% (gnomAD). The mutation is independently classified as disease causing mutation by three prediction programs. Thus, we consider this variant to be variant of uncertain significance. ACMG criteria used for classification: PM2, PP2, BP4.